The following is an entry in ClinVar:

NM_001943.5(DSG2):c.1392A>G (p.Thr464=)

Gene: DSG2 (desmoglein 2; plus strand). Cytogenetic location: 18q12.1.
Variant type: single nucleotide variant.
Coding change: c.1392A>G on transcript NM_001943.5 (MANE Select); coding-DNA position 1392, A replaced by G.
Protein change: p.Thr464=; no amino-acid change (threonine 464 retained).
Molecular consequence: synonymous variant.
Genome position (GRCh38, 1-based): chr18:31,535,381, A>G. VCF-style: chr18-31535381-A-G. GRCh37 (hg19) VCF-style: chr18-29115344-A-G.
Other names: c.1392A>G (LRG_397t1).
Identifiers: ClinVar variation 386637 (VCV000386637.16), dbSNP rs373918593, ClinGen allele CA042273.

ClinVar aggregate classification (germline): Conflicting classifications of pathogenicity. Review status: criteria provided, conflicting classifications (1 of 4 stars). 5 submissions from 5 submitters: Uncertain significance (1); Likely benign (4). Last evaluated 2025-09-18.

Conditions:
Cardiovascular phenotype. Identifiers: MedGen CN230736.
Cardiomyopathy (CMYO). Also called: Cardiomyopathies. Identifiers: Orphanet 167848, MedGen C0878544, MONDO:0004994, HP:0001638. Inheritance: Various modes of inheritance.
Arrhythmogenic right ventricular cardiomyopathy (ARVD). Also called: Cardiomyopathy, ARVC; Arrhythmogenic right ventricular dysplasia; Arrhythmogenic cardiomyopathy; Arrhythmogenic Right Ventricular Cardiomyopathy (ARVC). Identifiers: Orphanet 247, MedGen C0349788, MeSH D019571, MONDO:0016587. Disease mechanism: loss of function. Inheritance: Various modes of inheritance.
Arrhythmogenic right ventricular dysplasia 10. Also called: Arrhythmogenic right ventricular dysplasia/cardiomyopathy, type 10; Arrhythmogenic Right Ventricular Dysplasia/Cardiomyopathy10; ARRHYTHMOGENIC RIGHT VENTRICULAR DYSPLASIA, FAMILIAL, 10. Identifiers: MedGen C1857777, MONDO:0012434, OMIM 610193.

Allele frequency attached by ClinVar (database versions not stated): TOPMed 0.00001; gnomAD exomes 0.00002; ExAC 0.00003; ESP Exome Variant Server 0.00009.
gnomAD v4.1: 25 of 1,612,286 alleles (0.0016%); highest among the groups gnomAD compares: Non-Finnish European, 0.002%; no homozygotes.

Submissions (5):

Ambry Genetics
Classification: Uncertain significance for Cardiovascular phenotype. Last evaluated: 2025-09-18. Review status: criteria provided, single submitter. Criteria: Ambry Variant Classification Scheme 2023. Collection method: clinical testing. Allele origin: germline.
Comment: The c.1392A>G variant (also known as p.T464T), located in coding exon 10 of the DSG2 gene, results from an A to G substitution at nucleotide position 1392. This nucleotide substitution does not change the amino acid at codon 464. This nucleotide position is not well conserved in available vertebrate species. In silico splice site analysis for this alteration is inconclusive. Based on the available evidence, the clinical significance of this variant remains unclear.

All of Us Research Program, National Institutes of Health
Classification: Likely benign for Arrhythmogenic right ventricular cardiomyopathy. Last evaluated: 2023-01-10. Review status: criteria provided, single submitter. Criteria: ACMG Guidelines, 2015. Collection method: clinical testing. Allele origin: germline. Inheritance: Autosomal dominant inheritance. Observed: 1 variant allele, 1 heterozygote.
Comment: This study involves interpretation of variants in research participants for the purpose of population health screening. Participant phenotype was not available at the time of variant classification. Additional details can be found in publication PMID: 35346344, PMCID: PMC8962531

Labcorp Genetics (formerly Invitae), Labcorp
Classification: Likely benign for Arrhythmogenic right ventricular dysplasia 10. Last evaluated: 2022-10-26. Review status: criteria provided, single submitter. Criteria: Invitae Variant Classification Sherloc (09022015). Collection method: clinical testing. Allele origin: germline.

Color Diagnostics, LLC DBA Color Health
Classification: Likely benign for Cardiomyopathy. Last evaluated: 2020-09-28. Review status: criteria provided, single submitter. Criteria: ACMG Guidelines, 2015. Collection method: clinical testing. Allele origin: germline.

GeneDx
Classification: Likely benign. Last evaluated: 2019-03-22. Review status: criteria provided, single submitter. Criteria: GeneDx Variant Classification Process June 2021. Collection method: clinical testing. Allele origin: germline. Affected: yes.